The following is an entry in ClinVar:

NM_130839.5(UBE3A):c.702T>A (p.Asp234Glu)

Genes: SNHG14 (small nucleolar RNA host gene 14; plus strand), UBE3A (ubiquitin protein ligase E3A; minus strand). Cytogenetic location: 15q11.2.
Variant type: single nucleotide variant.
Coding change: c.702T>A on transcript NM_130839.5 (MANE Select); coding-DNA position 702, T replaced by A.
Protein change: p.Asp234Glu; replaces aspartic acid 234 with glutamic acid.
Molecular consequence: missense variant. On other transcripts: non-coding transcript variant (1), intron variant (2).
Genome position (GRCh38, 1-based): chr15:25,371,472, A>T on the plus strand (T>A on the coding strand, the complement: UBE3A is on the minus strand). VCF-style: chr15-25371472-A-T. GRCh37 (hg19) VCF-style: chr15-25616619-A-T.
Other names: c.711T>A, p.Asp237Glu (NM_000462.5); c.702T>A, p.Asp234Glu (NM_001354505.1, NM_001354538.2, NM_001354545.2); c.642T>A, p.Asp214Glu (NM_001354506.2, NM_001354507.2, NM_001354508.2 and 17 more transcripts); c.525T>A, p.Asp175Glu (NM_001354546.2); c.301+3993T>A (NM_001354551.2); c.361+3993T>A (NM_001354550.2); short protein forms D175E, D214E, D234E, D237E.
Identifiers: ClinVar variation 3631654 (VCV003631654.2).
Genomic context (GRCh38, chr15:25,371,472, plus strand): 5'-GAGAAAGGCAGTTTCAATTTTTTCATTAGAGAGCAATCTGGTGTAGACCCTTCTAATGGC[A>T]TCAATATCCACAGACACATCATCAGGGCCTAATTTTTGCAAATTGTTGTCTCCCTGTGAG-3'
Protein context (NP_570854.1, residues 224-244): LGPDDVSVDI[Asp234Glu]AIRRVYTRLL

ClinVar aggregate classification (germline): Uncertain significance (1 of 4 stars; one submission).

Conditions:
Angelman syndrome (AS). Also called: HAPPY PUPPET SYNDROME. Identifiers: Orphanet 72, MedGen C0162635, MONDO:0007113, OMIM 105830. Disease mechanism: loss of function. Inheritance: AS is caused by disruption of maternally imprinted UBE3A located within the 15q11.2-q13 Angelman syndrome/Prader-Willi syndrome (AS/PWS) region., imprinting disorder.

Submission:

Labcorp Genetics (formerly Invitae), Labcorp
Classification: Uncertain significance for Angelman syndrome. Last evaluated: 2024-09-30. Review status: criteria provided, single submitter. Criteria: Invitae Variant Classification Sherloc (09022015). Collection method: clinical testing. Allele origin: germline.
Comment: This sequence change replaces aspartic acid, which is acidic and polar, with glutamic acid, which is acidic and polar, at codon 214 of the UBE3A protein (p.Asp214Glu). This variant is not present in population databases (gnomAD no frequency). This variant has not been reported in the literature in individuals affected with UBE3A-related conditions. Invitae Evidence Modeling of protein sequence and biophysical properties (such as structural, functional, and spatial information, amino acid conservation, physicochemical variation, residue mobility, and thermodynamic stability) indicates that this missense variant is not expected to disrupt UBE3A protein function with a negative predictive value of 95%. In summary, the available evidence is currently insufficient to determine the role of this variant in disease. Therefore, it has been classified as a Variant of Uncertain Significance.